The following is an entry in ClinVar:

ClinVar aggregate classification (germline): Uncertain significance (1 of 4 stars; one submission).

Conditions:
Kabuki syndrome. Also called: NIIKAWA-KUROKI SYNDROME; Kabuki make-up syndrome. Identifiers: Orphanet 2322, MedGen C0796004, MONDO:0016512.

Submission:

Labcorp Genetics (formerly Invitae), Labcorp
Classification: Uncertain significance for Kabuki syndrome. Last evaluated: 2023-08-19. Review status: criteria provided, single submitter. Criteria: Invitae Variant Classification Sherloc (09022015). Collection method: clinical testing. Allele origin: germline.
Comment: This sequence change replaces lysine, which is basic and polar, with arginine, which is basic and polar, at codon 3733 of the KMT2D protein (p.Lys3733Arg). This variant is not present in population databases (gnomAD no frequency). This variant has not been reported in the literature in individuals affected with KMT2D-related conditions. Advanced modeling of protein sequence and biophysical properties (such as structural, functional, and spatial information, amino acid conservation, physicochemical variation, residue mobility, and thermodynamic stability) performed at Invitae indicates that this missense variant is not expected to disrupt KMT2D protein function. In summary, the available evidence is currently insufficient to determine the role of this variant in disease. Therefore, it has been classified as a Variant of Uncertain Significance.

NM_003482.4(KMT2D):c.11198A>G (p.Lys3733Arg)

Gene: KMT2D (lysine methyltransferase 2D; minus strand). Cytogenetic location: 12q13.12.
Variant type: single nucleotide variant.
Coding change: c.11198A>G on transcript NM_003482.4 (MANE Select); coding-DNA position 11198, A replaced by G.
Protein change: p.Lys3733Arg; replaces lysine 3733 with arginine.
Molecular consequence: missense variant.
Genome position (GRCh38, 1-based): chr12:49,033,507, T>C on the plus strand (A>G on the coding strand, the complement: KMT2D is on the minus strand). VCF-style: chr12-49033507-T-C. GRCh37 (hg19) VCF-style: chr12-49427290-T-C.
Other names: short protein forms K3733R.
Identifiers: ClinVar variation 2754037 (VCV002754037.3), dbSNP rs2498364752, ClinGen allele CA384723036.